The following is an entry in ClinVar:

ClinVar aggregate classification (germline): Uncertain significance. Review status: criteria provided, multiple submitters, no conflicts (2 of 4 stars). 2 submissions from 2 submitters: Uncertain significance (2). Last evaluated 2022-07-19.

Conditions:
Congenital myotonia, autosomal dominant form (THD). Also called: THOMSEN DISEASE; Myotonia congenita autosomal dominant. Identifiers: Orphanet 614, MedGen C2936781, MONDO:0008055, OMIM 160800.
Congenital myotonia, autosomal recessive form. Also called: BECKER DISEASE; Becker Generalized Myotonia; myotonia congenita, autosomal recessive. Identifiers: Orphanet 614, MedGen C0751360, MONDO:0009715, OMIM 255700.

Submissions (2):

Labcorp Genetics (formerly Invitae), Labcorp
Classification: Uncertain significance for Congenital myotonia, autosomal recessive form; Congenital myotonia, autosomal dominant form. Last evaluated: 2022-07-19. Review status: criteria provided, single submitter. Criteria: Invitae Variant Classification Sherloc (09022015). Collection method: clinical testing. Allele origin: germline.
Comment: In summary, the available evidence is currently insufficient to determine the role of this variant in disease. Therefore, it has been classified as a Variant of Uncertain Significance. Advanced modeling of protein sequence and biophysical properties (such as structural, functional, and spatial information, amino acid conservation, physicochemical variation, residue mobility, and thermodynamic stability) performed at Invitae indicates that this missense variant is expected to disrupt CLCN1 protein function. ClinVar contains an entry for this variant (Variation ID: 585690). This variant has not been reported in the literature in individuals affected with CLCN1-related conditions. This variant is not present in population databases (gnomAD no frequency). This sequence change replaces isoleucine, which is neutral and non-polar, with phenylalanine, which is neutral and non-polar, at codon 172 of the CLCN1 protein (p.Ile172Phe).

Athena Diagnostics
Classification: Uncertain significance. Last evaluated: 2018-04-26. Review status: criteria provided, single submitter. Criteria: Athena Diagnostics Criteria. Collection method: clinical testing. Allele origin: germline.

NM_000083.3(CLCN1):c.514A>T (p.Ile172Phe)

Gene: CLCN1 (chloride voltage-gated channel 1; plus strand). Cytogenetic location: 7q34.
Variant type: single nucleotide variant.
Coding change: c.514A>T on transcript NM_000083.3 (MANE Select); coding-DNA position 514, A replaced by T.
Protein change: p.Ile172Phe; replaces isoleucine 172 with phenylalanine.
Molecular consequence: missense variant. On other transcripts: non-coding transcript variant (1).
Genome position (GRCh38, 1-based): chr7:143,321,445, A>T. VCF-style: chr7-143321445-A-T. GRCh37 (hg19) VCF-style: chr7-143018538-A-T.
Other names: short protein forms I172F.
Identifiers: ClinVar variation 585690 (VCV000585690.9), dbSNP rs992335710, ClinGen allele CA369683801.